The following is an entry in ClinVar:

ClinVar aggregate classification (germline): Uncertain significance (1 of 4 stars; one submission).

Submission:

Labcorp Genetics (formerly Invitae), Labcorp
Classification: Uncertain significance. Last evaluated: 2022-10-05. Review status: criteria provided, single submitter. Criteria: Invitae Variant Classification Sherloc (09022015). Collection method: clinical testing. Allele origin: germline.
Comment: This variant, c.197_205del, results in the deletion of 3 amino acid(s) of the SMARCD2 protein (p.Gly66_Ala68del), but otherwise preserves the integrity of the reading frame. In summary, the available evidence is currently insufficient to determine the role of this variant in disease. Therefore, it has been classified as a Variant of Uncertain Significance. Experimental studies and prediction algorithms are not available or were not evaluated, and the functional significance of this variant is currently unknown. This variant has not been reported in the literature in individuals affected with SMARCD2-related conditions. This variant is present in population databases (rs778582319, gnomAD 0.06%).

NM_001098426.2(SMARCD2):c.188GCCCCGCGG[1] (p.63GPA[1])

Genes: SMARCD2 (SWI/SNF related BAF chromatin remodeling complex subunit D2; minus strand), LOC130061409 (ATAC-STARR-seq lymphoblastoid silent region 8832; plus strand). Cytogenetic location: 17q23.3.
Variant type: Microsatellite.
Coding change: c.188GCCCCGCGG[1] on transcript NM_001098426.2 (MANE Select); one copy of the 9-base unit GCCCCGCGG starting at c.188; the reference has two copies in a row; one copy, 9 bases deleted.
Protein change: p.63GPA[1].
Molecular consequence: inframe deletion.
Genome position (GRCh38, 1-based): chr17:63,842,470-63,842,478, CCGCGGGGC deleted on the plus strand (GCCCCGCGG on the coding strand, the reverse complement: SMARCD2 is on the minus strand); deleting any 9 consecutive bases within chr17:63,842,470-63,842,489 gives the same sequence; the position shown is the placement nearest the transcript's 3' end. VCF-style (leftmost placement, unchanged base first): chr17-63842469-GCCGCGGGGC-G. GRCh37 (hg19) VCF-style: chr17-61919829-GCCGCGGGGC-G.
Identifiers: ClinVar variation 2413984 (VCV002413984.5), dbSNP rs778582319, ClinGen allele CA8706563.